The following is an entry in ClinVar:

ClinVar aggregate classification (germline): Conflicting classifications of pathogenicity. Review status: criteria provided, conflicting classifications (1 of 4 stars). 5 submissions from 5 submitters: Uncertain significance (1); Benign (1); Likely benign (2). 1 of the submissions does not count toward it. Last evaluated 2022-09-01.

Conditions:
Usher syndrome type 2A. Also called: USHER SYNDROME, TYPE IIA; RETINAL DISEASE IN USHER SYNDROME TYPE IIA, MODIFIER OF. Identifiers: Orphanet 231178, Orphanet 886, MedGen C1848634, MONDO:0010169, OMIM 276901.
Retinitis pigmentosa 39 (RP39). Identifiers: Orphanet 791, MedGen C3151138, MONDO:0013436, OMIM 613809.

Allele frequency attached by ClinVar (database versions not stated): gnomAD 0.00001; TOPMed 0.00001; ExAC 0.00003; gnomAD exomes 0.00004.
gnomAD v4.1: 25 of 1,613,394 alleles (0.0015%); highest among the groups gnomAD compares: East Asian, 0.042%; no homozygotes.

Submissions (5):

Labcorp Genetics (formerly Invitae), Labcorp
Classification: Uncertain significance. Last evaluated: 2022-09-01. Review status: criteria provided, single submitter. Criteria: Invitae Variant Classification Sherloc (09022015). Collection method: clinical testing. Allele origin: germline.
Comment: This sequence change falls in intron 39 of the USH2A gene. It does not directly change the encoded amino acid sequence of the USH2A protein. It affects a nucleotide within the consensus splice site. This variant is present in population databases (rs397518030, gnomAD 0.06%). This variant has been observed in individual(s) with retinitis pigmentosa (PMID: 24938718). ClinVar contains an entry for this variant (Variation ID: 48582). Variants that disrupt the consensus splice site are a relatively common cause of aberrant splicing (PMID: 17576681, 9536098). Algorithms developed to predict the effect of sequence changes on RNA splicing suggest that this variant is not likely to affect RNA splicing. In summary, the available evidence is currently insufficient to determine the role of this variant in disease. Therefore, it has been classified as a Variant of Uncertain Significance.

Blueprint Genetics
Classification: Likely benign. Last evaluated: 2022-05-05. Review status: criteria provided, single submitter. Criteria: ACMG Guidelines, 2015. Collection method: clinical testing. Allele origin: germline.

Mendelics
Classification: Benign for Usher syndrome type 2A. Last evaluated: 2019-05-28. Review status: criteria provided, single submitter. Criteria: Mendelics Assertion Criteria 2017. Collection method: clinical testing. Allele origin: unknown.

Laboratory for Molecular Medicine, Mass General Brigham Personalized Medicine
Classification: Likely benign. Last evaluated: 2012-02-09. Review status: criteria provided, single submitter. Criteria: LMM Criteria. Collection method: clinical testing. Allele origin: germline. Observed: 2 variant alleles.
Comment: 7451+3G>A in intron 39 USH2A: This variant has not been reported in the literatu re nor previously identified by our laboratory. However, splice site prediction tools do not suggest an impact to splicing. Therefore, this variant is more like ly benign.

Counsyl
Classification: Uncertain significance for Usher syndrome type 2A; Retinitis pigmentosa 39. Last evaluated: 2017-06-13. Review status: no assertion criteria provided. Collection method: clinical testing. Allele origin: unknown. Not counted in ClinVar's aggregate classification.

Literature cited by the submitters: PubMed 24938718 (cited by Labcorp Genetics (formerly Invitae), Labcorp); PubMed 17576681 (cited by Labcorp Genetics (formerly Invitae), Labcorp); PubMed 9536098 (cited by Labcorp Genetics (formerly Invitae), Labcorp).

NM_206933.4(USH2A):c.7451+3G>A

Gene: USH2A (usherin; minus strand). Cytogenetic location: 1q41.
Variant type: single nucleotide variant.
Coding change: c.7451+3G>A on transcript NM_206933.4 (MANE Select); 3 bases into the intron after coding-DNA position 7451, G replaced by A.
Molecular consequence: intron variant.
Genome position (GRCh38, 1-based): chr1:215,900,752, C>T on the plus strand (G>A on the coding strand, the complement: USH2A is on the minus strand). VCF-style: chr1-215900752-C-T. GRCh37 (hg19) VCF-style: chr1-216074094-C-T.
Identifiers: ClinVar variation 48582 (VCV000048582.10), dbSNP rs397518030, ClinGen allele CA143594.